The following is an entry in ClinVar:

NM_138615.3(DHX30):c.2942A>C (p.Gln981Pro)

Gene: DHX30 (DExH-box helicase 30; plus strand). Cytogenetic location: 3p21.31.
Variant type: single nucleotide variant.
Coding change: c.2942A>C on transcript NM_138615.3 (MANE Select); coding-DNA position 2942, A replaced by C.
Protein change: p.Gln981Pro; replaces glutamine 981 with proline.
Molecular consequence: missense variant.
Genome position (GRCh38, 1-based): chr3:47,849,204, A>C. VCF-style: chr3-47849204-A-C. GRCh37 (hg19) VCF-style: chr3-47890694-A-C.
Other names: c.2858A>C, p.Gln953Pro (NM_001330990.2); c.2825A>C, p.Gln942Pro (NM_014966.4); short protein forms Q942P, Q953P, Q981P.
Identifiers: ClinVar variation 3252973 (VCV003252973.1), dbSNP rs2549303346.

ClinVar aggregate classification (germline): Uncertain significance (1 of 4 stars; one submission).

Submission:

GeneDx
Classification: Uncertain significance. Last evaluated: 2023-10-13. Review status: criteria provided, single submitter. Criteria: GeneDx Variant Classification Process June 2021. Collection method: clinical testing. Allele origin: germline. Affected: yes.
Comment: Has not been previously published as pathogenic or benign to our knowledge; Not observed at significant frequency in large population cohorts (gnomAD); In silico analysis supports that this missense variant has a deleterious effect on protein structure/function